The following is an entry in ClinVar:

ClinVar aggregate classification (germline): Uncertain significance. Review status: criteria provided, multiple submitters, no conflicts (2 of 4 stars). 2 submissions from 2 submitters: Uncertain significance (2). Last evaluated 2025-12-25.

Conditions:
Inborn genetic diseases. Identifiers: MedGen C0950123, MeSH D030342.

gnomAD v4.1: 13 of 1,417,116 alleles (0.00092%); highest among the groups gnomAD compares: South Asian, 0.0012%; no homozygotes.

Submissions (2):

Labcorp Genetics (formerly Invitae), Labcorp
Classification: Uncertain significance. Last evaluated: 2025-12-25. Review status: criteria provided, single submitter. Criteria: Invitae Variant Classification Sherloc (09022015). Collection method: clinical testing. Allele origin: germline.
Comment: This sequence change replaces serine, which is neutral and polar, with phenylalanine, which is neutral and non-polar, at codon 668 of the ANKRD26 protein (p.Ser668Phe). The frequency data for this variant in the population databases is considered unreliable, as metrics indicate poor data quality at this position in the gnomAD database. This variant has not been reported in the literature in individuals affected with ANKRD26-related conditions. ClinVar contains an entry for this variant (Variation ID: 3624783). An algorithm developed to predict the effect of missense changes on protein structure and function (PolyPhen-2) suggests that this variant is likely to be disruptive. Algorithms developed to predict the effect of sequence changes on RNA splicing suggest that this variant may disrupt the consensus splice site. In summary, the available evidence is currently insufficient to determine the role of this variant in disease. Therefore, it has been classified as a Variant of Uncertain Significance.

Ambry Genetics
Classification: Uncertain significance for Inborn genetic diseases. Last evaluated: 2025-01-20. Review status: criteria provided, single submitter. Criteria: Ambry Variant Classification Scheme 2023. Collection method: clinical testing. Allele origin: germline.
Comment: The p.S668F variant (also known as c.2003C>T), located in coding exon 19 of the ANKRD26 gene, results from a C to T substitution at nucleotide position 2003. The serine at codon 668 is replaced by phenylalanine, an amino acid with highly dissimilar properties. This amino acid position is conserved. In addition, this alteration is predicted to be tolerated by in silico analysis. Based on the available evidence, the clinical significance of this variant remains unclear.

NM_014915.3(ANKRD26):c.2003C>T (p.Ser668Phe)

Gene: ANKRD26 (ankyrin repeat domain 26; minus strand). Cytogenetic location: 10p12.1.
Variant type: single nucleotide variant.
Coding change: c.2003C>T on transcript NM_014915.3 (MANE Select); coding-DNA position 2003, C replaced by T.
Protein change: p.Ser668Phe; replaces serine 668 with phenylalanine.
Molecular consequence: missense variant.
Genome position (GRCh38, 1-based): chr10:27,044,173, G>A on the plus strand (C>T on the coding strand, the complement: ANKRD26 is on the minus strand). VCF-style: chr10-27044173-G-A. GRCh37 (hg19) VCF-style: chr10-27333102-G-A.
Other names: c.2000C>T, p.Ser667Phe (NM_001256053.2); short protein forms S667F, S668F.
Identifiers: ClinVar variation 3624783 (VCV003624783.3).